The following is an entry in ClinVar:

ClinVar aggregate classification (germline): Likely benign. Review status: criteria provided, multiple submitters, no conflicts (2 of 4 stars). 2 submissions from 2 submitters: Likely benign (2). Last evaluated 2023-08-24.

Allele frequency attached by ClinVar (database versions not stated): gnomAD 0.00001; gnomAD exomes 0.00001; TOPMed 0.00001; ExAC 0.00002; ESP Exome Variant Server 0.00008.

Submissions (2):

Labcorp Genetics (formerly Invitae), Labcorp
Classification: Likely benign. Last evaluated: 2023-08-24. Review status: criteria provided, single submitter. Criteria: Invitae Variant Classification Sherloc (09022015). Collection method: clinical testing. Allele origin: germline.

CeGaT Center for Human Genetics Tuebingen
Classification: Likely benign. Last evaluated: 2022-11-01. Review status: criteria provided, single submitter. Criteria: CeGaT Center For Human Genetics Tuebingen Variant Classification Criteria Version 2. Collection method: clinical testing. Allele origin: germline. Affected: yes. Observed: 1 variant allele.
Comment: CEP152: BP4, BP7

NM_001194998.2(CEP152):c.3918A>G (p.Glu1306=)

Gene: CEP152 (centrosomal protein 152; minus strand). Cytogenetic location: 15q21.1.
Variant type: single nucleotide variant.
Coding change: c.3918A>G on transcript NM_001194998.2 (MANE Select); coding-DNA position 3918, A replaced by G.
Protein change: p.Glu1306=; no amino-acid change (glutamic acid 1306 retained).
Molecular consequence: synonymous variant.
Genome position (GRCh38, 1-based): chr15:48,742,018, T>C on the plus strand (A>G on the coding strand, the complement: CEP152 is on the minus strand). VCF-style: chr15-48742018-T-C. GRCh37 (hg19) VCF-style: chr15-49034215-T-C.
Other names: c.3750A>G, p.Glu1250= (NM_014985.4).
Identifiers: ClinVar variation 2645319 (VCV002645319.27), dbSNP rs371843240, ClinGen allele CA7548232.